The following is an entry in ClinVar:

NM_006904.7(PRKDC):c.5087T>G (p.Leu1696Arg)

Gene: PRKDC (protein kinase, DNA-activated, catalytic subunit; minus strand). Cytogenetic location: 8q11.21.
Variant type: single nucleotide variant.
Coding change: c.5087T>G on transcript NM_006904.7 (MANE Select); coding-DNA position 5087, T replaced by G.
Protein change: p.Leu1696Arg; replaces leucine 1696 with arginine.
Molecular consequence: missense variant.
Genome position (GRCh38, 1-based): chr8:47,879,639, A>C on the plus strand (T>G on the coding strand, the complement: PRKDC is on the minus strand). VCF-style: chr8-47879639-A-C. GRCh37 (hg19) VCF-style: chr8-48792200-A-C.
Other names: c.5087T>G, p.Leu1696Arg (NM_001081640.2); short protein forms L1696R.
Identifiers: ClinVar variation 3056741 (VCV003056741.1), dbSNP rs2551872272, ClinGen allele CA371139517.

ClinVar aggregate classification (germline): Benign (1 of 4 stars; one submission).

Conditions:
PRKDC-related disorder. Also called: PRKDC-related condition.

Submission:

PreventionGenetics, part of Exact Sciences
Classification: Benign for PRKDC-related condition. Last evaluated: 2019-02-27. Review status: criteria provided, single submitter. Criteria: ACMG Guidelines, 2015. Collection method: clinical testing. Allele origin: germline.
Comment: This variant is classified as benign based on ACMG/AMP sequence variant interpretation guidelines (Richards et al. 2015 PMID: 25741868, with internal and published modifications).